The following is an entry in ClinVar:

ClinVar aggregate classification (germline): Likely pathogenic (1 of 4 stars; one submission).

Conditions:
Lethal congenital contracture syndrome 4 (LCCS4). Identifiers: MedGen C3554046, MONDO:0013965, OMIM 614915.

Submission:

Juno Genomics, Hangzhou Juno Genomics, Inc
Classification: Likely pathogenic for Lethal congenital contracture syndrome 4. Review status: criteria provided, single submitter. Criteria: ACMG Guidelines, 2015. Collection method: clinical testing. Allele origin: germline.
Comment: Null variant in a gene where loss of function (LOF) is a known mechanism of disease.;Absent from controls (or at extremely low frequency if recessive) in Genome Aggregation Database.

NM_002465.4(MYBPC1):c.2089del (p.Asp697fs)

Gene: MYBPC1 (myosin binding protein C1; plus strand). Cytogenetic location: 12q23.2.
Variant type: Deletion.
Coding change: c.2089del on transcript NM_002465.4 (MANE Select); coding-DNA position 2089, one base deleted (G; older notation c.2089delG).
Protein change: p.Asp697fs; shifts the reading frame from aspartic acid 697.
Molecular consequence: frameshift variant.
Genome position (GRCh38, 1-based): chr12:101,662,414, G deleted. VCF-style (leftmost placement, unchanged base first): chr12-101662413-TG-T. GRCh37 (hg19) VCF-style: chr12-102056191-TG-T.
Other names: c.2014del, p.Asp672fs (NM_001254718.3, NM_001254719.3, NM_206820.4 and 1 more transcripts); c.1978del, p.Asp660fs (NM_001254720.3); c.1957del, p.Asp653fs (NM_001254721.3, NM_001404676.1, NM_001404678.1); c.1936del, p.Asp646fs (NM_001254722.3, NM_001404680.1); c.1975del, p.Asp659fs (NM_001254723.3); c.2089del, p.Asp697fs (NM_001404675.1, NM_206819.4); c.1879del, p.Asp627fs (NM_001404677.1, NM_001404679.1, NM_001404681.1); short protein forms D659fs, D660fs, D627fs, D646fs, D697fs, D653fs, D672fs.
Identifiers: ClinVar variation 5005013 (VCV005005013.2).